The following is an entry in ClinVar:

ClinVar aggregate classification (germline): Uncertain significance. Review status: criteria provided, multiple submitters, no conflicts (2 of 4 stars). 2 submissions from 2 submitters: Uncertain significance (2). Last evaluated 2023-04-20.

Conditions:
Evans syndrome, immunodeficiency, and premature immunosenescence associated with tripeptidyl-peptidase II deficiency. Identifiers: MedGen CN231723. Disease mechanism: loss of function.
Inborn genetic diseases. Identifiers: MedGen C0950123, MeSH D030342.

Allele frequency attached by ClinVar (database versions not stated): TOPMed 0.00001; gnomAD 0.00002; ESP Exome Variant Server 0.00008; gnomAD exomes below 0.00001 and 0.00001; ExAC 0.00001.
gnomAD v4.1: 7 of 1,613,236 alleles (0.00043%); highest among the groups gnomAD compares: South Asian, 0.0022%; no homozygotes.

Submissions (2):

Ambry Genetics
Classification: Uncertain significance for Inborn genetic diseases. Last evaluated: 2023-04-20. Review status: criteria provided, single submitter. Criteria: Ambry Variant Classification Scheme 2023. Collection method: clinical testing. Allele origin: germline.

Labcorp Genetics (formerly Invitae), Labcorp
Classification: Uncertain significance for Evans syndrome, immunodeficiency, and premature immunosenescence associated with tripeptidyl-peptidase II deficiency. Last evaluated: 2021-12-18. Review status: criteria provided, single submitter. Criteria: Invitae Variant Classification Sherloc (09022015). Collection method: clinical testing. Allele origin: germline.
Comment: This sequence change replaces isoleucine, which is neutral and non-polar, with methionine, which is neutral and non-polar, at codon 492 of the TPP2 protein (p.Ile492Met). This variant is present in population databases (rs375118963, gnomAD 0.002%). This variant has not been reported in the literature in individuals affected with TPP2-related conditions. Algorithms developed to predict the effect of missense changes on protein structure and function are either unavailable or do not agree on the potential impact of this missense change (SIFT: "Deleterious"; PolyPhen-2: "Probably Damaging"; Align-GVGD: "Class C0"). In summary, the available evidence is currently insufficient to determine the role of this variant in disease. Therefore, it has been classified as a Variant of Uncertain Significance.

NM_001330588.2(TPP2):c.1476A>G (p.Ile492Met)

Gene: TPP2 (tripeptidyl peptidase 2; plus strand). Cytogenetic location: 13q33.1.
Variant type: single nucleotide variant.
Coding change: c.1476A>G on transcript NM_001330588.2 (MANE Select); coding-DNA position 1476, A replaced by G.
Protein change: p.Ile492Met; replaces isoleucine 492 with methionine.
Molecular consequence: missense variant. On other transcripts: non-coding transcript variant (1).
Genome position (GRCh38, 1-based): chr13:102,635,669, A>G. VCF-style: chr13-102635669-A-G. GRCh37 (hg19) VCF-style: chr13-103288019-A-G.
Other names: c.1476A>G, p.Ile492Met (NM_001367947.1, NM_003291.4); c.1476A>G (NM_003291.2); short protein forms I492M.
Identifiers: ClinVar variation 1517743 (VCV001517743.4), dbSNP rs375118963, ClinGen allele CA7037745.
Genomic context (GRCh38, chr13:102,635,669, plus strand): 5'-CTACACAGTTCATTCAGTCAGAAGAGCTCTAGAAAACACTGCAGTGAAGGCTGACAATAT[A>G]GAAGTATTTGCTCAAGGACATGGTATTATTCAGGTATTGTTGCCTATATGAAAAATGGGT-3'
Protein context (NP_001317517.1, residues 482-502): LENTAVKADN[Ile492Met]EVFAQGHGII